The following is an entry in ClinVar:

ClinVar aggregate classification (germline): Uncertain significance (1 of 4 stars; one submission).

Submission:

GeneDx
Classification: Uncertain significance. Last evaluated: 2023-03-30. Review status: criteria provided, single submitter. Criteria: GeneDx Variant Classification Process June 2021. Collection method: clinical testing. Allele origin: germline. Affected: yes.
Comment: Not observed at significant frequency in large population cohorts (gnomAD); In silico analysis supports that this missense variant has a deleterious effect on protein structure/function; Has not been previously published as pathogenic or benign to our knowledge

NM_000260.4(MYO7A):c.5113C>G (p.Pro1705Ala)

Gene: MYO7A (myosin VIIA; plus strand). Cytogenetic location: 11q13.5.
Variant type: single nucleotide variant.
Coding change: c.5113C>G on transcript NM_000260.4 (MANE Select); coding-DNA position 5113, C replaced by G.
Protein change: p.Pro1705Ala; replaces proline 1705 with alanine.
Molecular consequence: missense variant.
Genome position (GRCh38, 1-based): chr11:77,202,369, C>G. VCF-style: chr11-77202369-C-G. GRCh37 (hg19) VCF-style: chr11-76913414-C-G.
Other names: c.4999C>G, p.Pro1667Ala (NM_001127180.2); c.4966C>G, p.Pro1656Ala (NM_001369365.1); short protein forms P1656A, P1667A, P1705A.
Identifiers: ClinVar variation 2582156 (VCV002582156.1), dbSNP rs1336723769, ClinGen allele CA381951708.